The following is an entry in ClinVar:

NM_001609.4(ACADSB):c.8G>C (p.Gly3Ala)

Gene: ACADSB (acyl-CoA dehydrogenase short/branched chain; plus strand). Cytogenetic location: 10q26.13.
Variant type: single nucleotide variant.
Coding change: c.8G>C on transcript NM_001609.4 (MANE Select); coding-DNA position 8, G replaced by C.
Protein change: p.Gly3Ala; replaces glycine 3 with alanine.
Molecular consequence: missense variant. On other transcripts: 5 prime UTR variant (1).
Genome position (GRCh38, 1-based): chr10:123,009,037, G>C. VCF-style: chr10-123009037-G-C. GRCh37 (hg19) VCF-style: chr10-124768553-G-C.
Other names: c.-198G>C (NM_001330174.3); short protein forms G3A.
Identifiers: ClinVar variation 2009469 (VCV002009469.1), dbSNP rs778965920, ClinGen allele CA378615278.
Genomic context (GRCh38, chr10:123,009,037, plus strand): 5'-CCAGGGGCTGGCTAGAGACCCAGAGGCGCAGAGCGGAGAGGCCTGCGGCGAGGATGGAGG[G>C]CCTGGCAGTGCGGTTGCTGCGCGGCAGCAGGCTGGTGAGTGCGTTCGAGGCTGGCGTCCT-3'
Protein context (NP_001600.1, residues 1-13): ME[Gly3Ala]LAVRLLRGSR

ClinVar aggregate classification (germline): Uncertain significance (1 of 4 stars; one submission).

Conditions:
Deficiency of 2-methylbutyryl-CoA dehydrogenase (ACADSB). Also called: 2-methylbutyryl-CoA dehydrogenase deficiency; SBCAD deficiency; 2-methylbutyric aciduria; Short branched-chain acyl-CoA dehydrogenase deficiency; 2-methylbutyrylglycinuria. Identifiers: Orphanet 79157, MedGen C1864912, MONDO:0012392, OMIM 610006, HP:0020147.

gnomAD v4.1: 3 of 1,548,048 alleles (0.00019%); highest among the groups gnomAD compares: Non-Finnish European, 0.00026%; no homozygotes.

Submission:

Labcorp Genetics (formerly Invitae), Labcorp
Classification: Uncertain significance for Deficiency of 2-methylbutyryl-CoA dehydrogenase. Last evaluated: 2022-06-22. Review status: criteria provided, single submitter. Criteria: Invitae Variant Classification Sherloc (09022015). Collection method: clinical testing. Allele origin: germline.
Comment: This sequence change replaces glycine, which is neutral and non-polar, with alanine, which is neutral and non-polar, at codon 3 of the ACADSB protein (p.Gly3Ala). This variant is not present in population databases (gnomAD no frequency). This variant has not been reported in the literature in individuals affected with ACADSB-related conditions. Algorithms developed to predict the effect of missense changes on protein structure and function output the following: SIFT: "Tolerated"; PolyPhen-2: "Probably Damaging"; Align-GVGD: "Class C0". The alanine amino acid residue is found in multiple mammalian species, which suggests that this missense change does not adversely affect protein function. In summary, the available evidence is currently insufficient to determine the role of this variant in disease. Therefore, it has been classified as a Variant of Uncertain Significance.